The following is an entry in ClinVar:

ClinVar aggregate classification (germline): Uncertain significance (1 of 4 stars; one submission).

Conditions:
Duchenne muscular dystrophy (DMD). Also called: Duchenne Muscular Dystrophy (DMD); MUSCULAR DYSTROPHY, PSEUDOHYPERTROPHIC PROGRESSIVE, DUCHENNE TYPE. Identifiers: Orphanet 98896, MedGen C0013264, MONDO:0010679, OMIM 310200.

Submission:

Labcorp Genetics (formerly Invitae), Labcorp
Classification: Uncertain significance for Duchenne muscular dystrophy. Last evaluated: 2021-05-09. Review status: criteria provided, single submitter. Criteria: Invitae Variant Classification Sherloc (09022015). Collection method: clinical testing. Allele origin: germline.
Comment: This variant is not present in population databases (ExAC no frequency). In summary, the available evidence is currently insufficient to determine the role of this variant in disease. Therefore, it has been classified as a Variant of Uncertain Significance. Algorithms developed to predict the effect of missense changes on protein structure and function (SIFT, PolyPhen-2, Align-GVGD) all suggest that this variant is likely to be tolerated, but these predictions have not been confirmed by published functional studies and their clinical significance is uncertain. This variant has not been reported in the literature in individuals with DMD-related conditions. This sequence change replaces threonine with alanine at codon 1375 of the DMD protein (p.Thr1375Ala). The threonine residue is weakly conserved and there is a small physicochemical difference between threonine and alanine.

NM_004006.3(DMD):c.4123A>G (p.Thr1375Ala)

Gene: DMD (dystrophin; minus strand). Cytogenetic location: Xp21.1.
Variant type: single nucleotide variant.
Coding change: c.4123A>G on transcript NM_004006.3 (MANE Select); coding-DNA position 4123, A replaced by G.
Protein change: p.Thr1375Ala; replaces threonine 1375 with alanine.
Molecular consequence: missense variant.
Genome position (GRCh38, 1-based): chrX:32,411,862, T>C on the plus strand (A>G on the coding strand, the complement: DMD is on the minus strand). VCF-style: chrX-32411862-T-C. GRCh37 (hg19) VCF-style: chrX-32429979-T-C.
Other names: c.4099A>G, p.Thr1367Ala (NM_000109.4); c.4111A>G, p.Thr1371Ala (NM_004009.3); c.3754A>G, p.Thr1252Ala (NM_004010.3); c.100A>G, p.Thr34Ala (NM_004011.4); c.91A>G, p.Thr31Ala (NM_004012.4); short protein forms T34A, T1367A, T1252A, T1371A, T1375A, T31A.
Identifiers: ClinVar variation 1474660 (VCV001474660.8), dbSNP rs2147935928, ClinGen allele CA412666539.